The following is an entry in ClinVar:

NM_022552.5(DNMT3A):c.925C>T (p.Arg309Cys)

Gene: DNMT3A (DNA methyltransferase 3 alpha; minus strand). Cytogenetic location: 2p23.3.
Variant type: single nucleotide variant.
Coding change: c.925C>T on transcript NM_022552.5 (MANE Select); coding-DNA position 925, C replaced by T.
Protein change: p.Arg309Cys; replaces arginine 309 with cysteine.
Molecular consequence: missense variant. On other transcripts: non-coding transcript variant (1).
Genome position (GRCh38, 1-based): chr2:25,247,680, G>A on the plus strand (C>T on the coding strand, the complement: DNMT3A is on the minus strand). VCF-style: chr2-25247680-G-A. GRCh37 (hg19) VCF-style: chr2-25470549-G-A.
Other names: c.469C>T, p.Arg157Cys (NM_001320893.1); c.256C>T, p.Arg86Cys (NM_001375819.1); c.358C>T, p.Arg120Cys (NM_153759.3); c.925C>T, p.Arg309Cys (NM_175629.2); short protein forms R120C, R157C, R309C, R86C.
Identifiers: ClinVar variation 3366287 (VCV003366287.2).
Genomic context (GRCh38, chr2:25,247,680, plus strand): 5'-TGACCCAGCGGGTGCCTTCAGCTGCTCGGCTCCGGCCCGTCATCCACCAAGACACAATGC[G>A]GCCTGGCCACCAGGAGAAGCCCCGCAGTTTCCCCCACACCAGCTCCCCAATGCCAAAGCC-3'
Protein context (NP_072046.2, residues 299-319): KLRGFSWWPG[Arg309Cys]IVSWWMTGRS

ClinVar aggregate classification (germline): Uncertain significance. Review status: criteria provided, multiple submitters, no conflicts (2 of 4 stars). 2 submissions from 2 submitters: Uncertain significance (2). Last evaluated 2024-12-08.

Conditions:
DNMT3A-related disorder. Also called: DNMT3A-related disorders; DNMT3A-related condition.

gnomAD v4.1: 3 of 1,613,786 alleles (0.00019%); highest among the groups gnomAD compares: Non-Finnish European, 0.00017%; no homozygotes.

Submissions (2):

PreventionGenetics, part of Exact Sciences
Classification: Uncertain significance for DNMT3A-related condition. Last evaluated: 2024-12-08. Review status: criteria provided, single submitter. Criteria: ACMG Guidelines, 2015. Collection method: clinical testing. Allele origin: germline.
Comment: The DNMT3A c.925C>T variant is predicted to result in the amino acid substitution p.Arg309Cys. To our knowledge, this variant has not been reported in the literature or in a large population database (gnomAD), indicating this variant is rare. At this time, the clinical significance of this variant is uncertain due to the absence of conclusive functional and genetic evidence.

Institute for Medical Genetics and Human Genetics, Charité - Universitätsmedizin Berlin
Classification: Uncertain significance. Review status: criteria provided, single submitter. Criteria: ACMG Guidelines, 2015. Collection method: not provided. Allele origin: germline. Inheritance: Autosomal dominant inheritance. Affected: yes.